The following is an entry in ClinVar:

NM_016599.5(MYOZ2):c.532G>C (p.Glu178Gln)

Gene: MYOZ2 (myozenin 2; plus strand). Cytogenetic location: 4q26.
Variant type: single nucleotide variant.
Coding change: c.532G>C on transcript NM_016599.5 (MANE Select); coding-DNA position 532, G replaced by C.
Protein change: p.Glu178Gln; replaces glutamic acid 178 with glutamine.
Molecular consequence: missense variant.
Genome position (GRCh38, 1-based): chr4:119,164,366, G>C. VCF-style: chr4-119164366-G-C. GRCh37 (hg19) VCF-style: chr4-120085521-G-C.
Other names: short protein forms E178Q.
Identifiers: ClinVar variation 3298112 (VCV003298112.1).

ClinVar aggregate classification (germline): Uncertain significance (1 of 4 stars; one submission).

Conditions:
Cardiovascular phenotype. Identifiers: MedGen CN230736.

gnomAD v4.1: 1 of 1,614,082 alleles (0.000062%); highest among the groups gnomAD compares: Non-Finnish European, 0.000085%; no homozygotes.

Submission:

Ambry Genetics
Classification: Uncertain significance for Cardiovascular phenotype. Last evaluated: 2024-04-12. Review status: criteria provided, single submitter. Criteria: Ambry Variant Classification Scheme 2023. Collection method: clinical testing. Allele origin: germline.
Comment: The p.E178Q variant (also known as c.532G>C), located in coding exon 4 of the MYOZ2 gene, results from a G to C substitution at nucleotide position 532. The glutamic acid at codon 178 is replaced by glutamine, an amino acid with highly similar properties. This amino acid position is conserved. In addition, this alteration is predicted to be tolerated by in silico analysis. Based on the available evidence, the clinical significance of this variant remains unclear.